The following is an entry in ClinVar:

ClinVar aggregate classification (germline): Conflicting classifications of pathogenicity. Review status: criteria provided, conflicting classifications (1 of 4 stars). 3 submissions from 3 submitters: Uncertain significance (1); Benign (1). 1 of the submissions does not count toward it. Last evaluated 2026-06-01.

Conditions:
COX6A2-related disorder. Also called: COX6A2-related condition.

Allele frequency attached by ClinVar (database versions not stated): 1000 Genomes Project 0.00100; 1000 Genomes Project 30x 0.00109; ESP Exome Variant Server 0.00170; gnomAD 0.00241; TOPMed 0.00248; ExAC 0.00410.

Submissions (3):

CeGaT Center for Human Genetics Tuebingen
Classification: Benign. Last evaluated: 2026-06-01. Review status: criteria provided, single submitter. Criteria: CeGaT Center For Human Genetics Tuebingen Variant Classification Criteria Version 2. Collection method: clinical testing. Allele origin: germline. Affected: yes. Observed: 6 variant alleles.
Comment: COX6A2: BS1, BS2

Mayo Clinic Laboratories, Mayo Clinic
Classification: Uncertain significance. Last evaluated: 2025-01-13. Review status: criteria provided, single submitter. Criteria: ACMG Guidelines, 2015. Collection method: clinical testing. Allele origin: germline. Observed: 3 variant alleles.
Comment: BP4_moderate

PreventionGenetics, part of Exact Sciences
Classification: Likely benign for COX6A2-related condition. Last evaluated: 2022-05-18. Review status: no assertion criteria provided. Collection method: clinical testing. Allele origin: germline. Not counted in ClinVar's aggregate classification.
Comment: This variant is classified as likely benign based on ACMG/AMP sequence variant interpretation guidelines (Richards et al. 2015 PMID: 25741868, with internal and published modifications).

Literature cited by the submitters: PubMed 22592081 (cited by Mayo Clinic Laboratories, Mayo Clinic); PubMed 32304865 (cited by Mayo Clinic Laboratories, Mayo Clinic); PubMed 34151536 (cited by Mayo Clinic Laboratories, Mayo Clinic).

NM_005205.4(COX6A2):c.34T>G (p.Leu12Val)

Gene: COX6A2 (cytochrome c oxidase subunit 6A2; minus strand). Cytogenetic location: 16p11.2.
Variant type: single nucleotide variant.
Coding change: c.34T>G on transcript NM_005205.4 (MANE Select); coding-DNA position 34, T replaced by G.
Protein change: p.Leu12Val; replaces leucine 12 with valine.
Molecular consequence: missense variant.
Genome position (GRCh38, 1-based): chr16:31,428,292, A>C on the plus strand (T>G on the coding strand, the complement: COX6A2 is on the minus strand). VCF-style: chr16-31428292-A-C. GRCh37 (hg19) VCF-style: chr16-31439613-A-C.
Other names: p.Leu12Val; c.34T>G (NM_005205.3); short protein forms L12V.
Identifiers: ClinVar variation 2646480 (VCV002646480.26), dbSNP rs140129800, ClinGen allele CA8029141.